The following is an entry in ClinVar:

NM_012464.5(TLL1):c.2374G>T (p.Asp792Tyr)

Gene: TLL1 (tolloid like 1; plus strand). Cytogenetic location: 4q32.3.
Variant type: single nucleotide variant.
Coding change: c.2374G>T on transcript NM_012464.5 (MANE Select); coding-DNA position 2374, G replaced by T.
Protein change: p.Asp792Tyr; replaces aspartic acid 792 with tyrosine.
Molecular consequence: missense variant.
Genome position (GRCh38, 1-based): chr4:166,077,962, G>T. VCF-style: chr4-166077962-G-T. GRCh37 (hg19) VCF-style: chr4-166999114-G-T.
Other names: short protein forms D792Y.
Identifiers: ClinVar variation 4880933 (VCV004880933.2).

ClinVar aggregate classification (germline): Uncertain significance (1 of 4 stars; one submission).

Conditions:
Atrial septal defect 6 (ASD6). Identifiers: Orphanet 1478, MedGen C2751315, MONDO:0013123, OMIM 613087.

gnomAD v4.1: 4 of 1,613,548 alleles (0.00025%); highest among the groups gnomAD compares: Admixed American, 0.005%; no homozygotes.

Submission:

Dasa
Classification: Uncertain significance for Atrial septal defect 6. Last evaluated: 2025-10-31. Review status: criteria provided, single submitter. Criteria: DASA Assertion Criteria. Collection method: clinical testing. Allele origin: germline.
Comment: NM_012464.5(TLL1):c.2374G>T (p.Asp792Tyr) is a missense variant that results in the substitution of aspartic acid with tyrosine. This variant is rare in population databases. The currently available literature and clinical evidence are not sufficient to establish a definitive association between this variant and the reported condition. Therefore, this variant is classified as a variant of uncertain significance.